The following is an entry in ClinVar:

ClinVar aggregate classification (germline): Conflicting classifications of pathogenicity. Review status: criteria provided, conflicting classifications (1 of 4 stars). 3 submissions from 3 submitters: Uncertain significance (2); Likely benign (1). Last evaluated 2024-06-09.

Conditions:
Hereditary cancer-predisposing syndrome. Also called: Neoplastic Syndromes, Hereditary; Tumor predisposition; Hereditary Cancer Syndrome; Hereditary neoplastic syndrome. Identifiers: Orphanet 140162, MedGen C0027672, MeSH D009386, MONDO:0015356.
Gastrointestinal stromal tumor. Also called: Gastrointestinal stromal tumor, somatic; Gastrointestinal stroma tumor. Identifiers: Orphanet 44890, MedGen C0238198, MeSH D046152, MONDO:0011719, OMIM 606764, HP:0100723.

Submissions (3):

Ambry Genetics
Classification: Likely benign for Hereditary cancer-predisposing syndrome. Last evaluated: 2024-06-09. Review status: criteria provided, single submitter. Criteria: Ambry Variant Classification Scheme 2023. Collection method: clinical testing. Allele origin: germline.

Labcorp Genetics (formerly Invitae), Labcorp
Classification: Uncertain significance for Gastrointestinal stromal tumor. Last evaluated: 2024-06-05. Review status: criteria provided, single submitter. Criteria: Invitae Variant Classification Sherloc (09022015). Collection method: clinical testing. Allele origin: germline.
Comment: This sequence change replaces threonine, which is neutral and polar, with serine, which is neutral and polar, at codon 963 of the KIT protein (p.Thr963Ser). This variant is not present in population databases (gnomAD no frequency). This variant has not been reported in the literature in individuals affected with KIT-related conditions. Algorithms developed to predict the effect of missense changes on protein structure and function output the following: SIFT: "Not Available"; PolyPhen-2: "Benign"; Align-GVGD: "Not Available". The serine amino acid residue is found in multiple mammalian species, which suggests that this missense change does not adversely affect protein function. In summary, the available evidence is currently insufficient to determine the role of this variant in disease. Therefore, it has been classified as a Variant of Uncertain Significance.

Baylor Genetics
Classification: Uncertain significance for Gastrointestinal stromal tumor. Last evaluated: 2024-02-27. Review status: criteria provided, single submitter. Criteria: ACMG Guidelines, 2015. Collection method: clinical testing. Allele origin: unknown.

NM_000222.3(KIT):c.2887A>T (p.Thr963Ser)

Gene: KIT (KIT proto-oncogene, receptor tyrosine kinase; plus strand). Cytogenetic location: 4q12.
Variant type: single nucleotide variant.
Coding change: c.2887A>T on transcript NM_000222.3 (MANE Select); coding-DNA position 2887, A replaced by T.
Protein change: p.Thr963Ser; replaces threonine 963 with serine.
Molecular consequence: missense variant.
Genome position (GRCh38, 1-based): chr4:54,738,513, A>T. VCF-style: chr4-54738513-A-T. GRCh37 (hg19) VCF-style: chr4-55604679-A-T.
Other names: c.2875A>T, p.Thr959Ser (NM_001093772.2, NM_001385292.1); c.2890A>T, p.Thr964Ser (NM_001385284.1); c.2884A>T, p.Thr962Ser (NM_001385285.1); c.2872A>T, p.Thr958Ser (NM_001385286.1); c.2878A>T, p.Thr960Ser (NM_001385288.1); c.2887A>T, p.Thr963Ser (NM_001385290.1); short protein forms T958S, T959S, T960S, T962S, T963S, T964S.
Identifiers: ClinVar variation 3241792 (VCV003241792.4), dbSNP rs773709702.
Genomic context (GRCh38, chr4:54,738,513, plus strand): 5'-AGCCCCAACCGACAGAAGCCCGTGGTAGACCATTCTGTGCGGATCAATTCTGTCGGCAGC[A>T]CCGCTTCCTCCTCCCAGCCTCTGCTTGTGCACGACGATGTCTGAGCAGAATCAGTGTTTG-3'
Protein context (NP_000213.1, residues 953-973): HSVRINSVGS[Thr963Ser]ASSSQPLLVH